The following is an entry in ClinVar:

NM_004982.4(KCNJ8):c.1218G>A (p.Met406Ile)

Genes: KCNJ8 (potassium inwardly rectifying channel subfamily J member 8; minus strand), KCNJ8-AS1 (KCNJ8 antisense RNA 1; plus strand). Cytogenetic location: 12p12.1.
Variant type: single nucleotide variant.
Coding change: c.1218G>A on transcript NM_004982.4 (MANE Select); coding-DNA position 1218, G replaced by A.
Protein change: p.Met406Ile; replaces methionine 406 with isoleucine.
Molecular consequence: missense variant.
Genome position (GRCh38, 1-based): chr12:21,765,780, C>T on the plus strand (G>A on the coding strand, the complement: KCNJ8 is on the minus strand). VCF-style: chr12-21765780-C-T. GRCh37 (hg19) VCF-style: chr12-21918714-C-T.
Other names: short protein forms M406I.
Identifiers: ClinVar variation 660991 (VCV000660991.8), dbSNP rs1591882812, ClinGen allele CA384121103.

ClinVar aggregate classification (germline): Uncertain significance (1 of 4 stars; one submission).

Conditions:
Brugada syndrome. Also called: Sudden unexpected nocturnal death syndrome; Sudden unexplained nocturnal death syndrome; Sudden Unexplained Death Syndrome; Sudden Unexplained Nocturnal Death Syndrome (SUNDS). Identifiers: Orphanet 130, MedGen C1142166, MONDO:0015263.

Allele frequency attached by ClinVar (database versions not stated): TOPMed below 0.00001.

Submission:

Labcorp Genetics (formerly Invitae), Labcorp
Classification: Uncertain significance for Brugada syndrome. Last evaluated: 2018-10-08. Review status: criteria provided, single submitter. Criteria: Invitae Variant Classification Sherloc (09022015). Collection method: clinical testing. Allele origin: germline.
Comment: This sequence change replaces methionine with isoleucine at codon 406 of the KCNJ8 protein (p.Met406Ile). The methionine residue is moderately conserved and there is a small physicochemical difference between methionine and isoleucine. This variant is not present in population databases (ExAC no frequency). This variant has not been reported in the literature in individuals with KCNJ8-related disease. Algorithms developed to predict the effect of missense changes on protein structure and function output the following: SIFT: "Tolerated"; PolyPhen-2: "Benign"; Align-GVGD: "Class C0". The isoleucine amino acid residue is found in multiple mammalian species, suggesting that this missense change does not adversely affect protein function. These predictions have not been confirmed by published functional studies and their clinical significance is uncertain. Algorithms developed to predict the effect of sequence changes on RNA splicing suggest that this variant may create or strengthen a splice site, but this prediction has not been confirmed by published transcriptional studies. In summary, the available evidence is currently insufficient to determine the role of this variant in disease. Therefore, it has been classified as a Variant of Uncertain Significance.